The following is an entry in ClinVar:

ClinVar aggregate classification (germline): Likely pathogenic (0 of 4 stars; one submission).

Conditions:
Marfan syndrome (MFS). Also called: MARFAN SYNDROME, TYPE I; Marfan syndrome type 1; Marfan's syndrome; FBN1-Related Marfan Syndrome; Marfan syndrome, classic. Identifiers: Orphanet 284963, Orphanet 558, MedGen C0024796, MONDO:0007947, OMIM 154700.

Submission:

Department of Laboratory Medicine and Genetics, Samsung Medical Center
Classification: Likely pathogenic for Marfan syndrome. Last evaluated: 2025-01-02. Review status: no assertion criteria provided. Collection method: clinical testing. Allele origin: germline. Affected: yes.
Comment: The NM_000138.5:c.5636G>T is considered to be rare in the general population database (gnomAD v2.1.1). This variant is predicted to be deleterious by in-silico analysis (REVEL). According to the ClinGen guidance for PP1/BS4 and PP4 criteria (PMID: 38103548), PP4 with weighted strength was applied. In summary, this variant was classified as a likely pathogenic variant for Marfan syndrome (PP2, PP3, PP4 with weighted strength, PM2_P).

Literature cited by the submitters: PubMed 37558401.

NM_000138.5(FBN1):c.5636G>T (p.Gly1879Val)

Gene: FBN1 (fibrillin 1; minus strand). Cytogenetic location: 15q21.1.
Variant type: single nucleotide variant.
Coding change: c.5636G>T on transcript NM_000138.5 (MANE Select); coding-DNA position 5636, G replaced by T.
Protein change: p.Gly1879Val; replaces glycine 1879 with valine.
Molecular consequence: missense variant.
Genome position (GRCh38, 1-based): chr15:48,448,803, C>A on the plus strand (G>T on the coding strand, the complement: FBN1 is on the minus strand). VCF-style: chr15-48448803-C-A. GRCh37 (hg19) VCF-style: chr15-48741000-C-A.
Other names: c.5636G>T, p.Gly1879Val (NM_001406716.1); short protein forms G1879V.
Identifiers: ClinVar variation 3600245 (VCV003600245.1).
Genomic context (GRCh38, chr15:48,448,803, plus strand): 5'-AAAATAATAATAATTGCATACTTACCCAAGCACATGGTTTGGTCATCATTTGTTTTAAAA[C>A]CAGTGTGGCAAAGGCAATAAAAGCTTCCAACTGTGTCAATGCACTGCCCATGACTGCATA-3'
Protein context (NP_000129.3, residues 1869-1889): VGSFYCLCHT[Gly1879Val]FKTNDDQTMC